The following is an entry in ClinVar:

NM_001387430.1(SH2B1):c.316C>T (p.Leu106=)

Gene: SH2B1 (SH2B adaptor protein 1; plus strand). Cytogenetic location: 16p11.2.
Variant type: single nucleotide variant.
Coding change: c.316C>T on transcript NM_001387430.1 (MANE Select); coding-DNA position 316, C replaced by T.
Protein change: p.Leu106=; no amino-acid change (leucine 106 retained).
Molecular consequence: synonymous variant. On other transcripts: intron variant (1).
Genome position (GRCh38, 1-based): chr16:28,866,410, C>T. VCF-style: chr16-28866410-C-T. GRCh37 (hg19) VCF-style: chr16-28877731-C-T.
Other names: c.316C>T, p.Leu106= (NM_001145795.2, NM_001145796.2, NM_001145797.2 and 4 more transcripts); c.-26-964C>T (NM_001308294.2).
Identifiers: ClinVar variation 4982323 (VCV004982323.1).
Genomic context (GRCh38, chr16:28,866,410, plus strand): 5'-TCCCTGTCGCCACCCATCCTGGCTCCCCTGAGCCCTGGTGCGGAGATTTCGCCACATGAC[C>T]TGTCCCTTGAGAGCTGCAGGGTGGGTGGGCCCCTGGCTGTGCTGGGCCCTTCTCGATCAT-3'
Protein context (NP_001374359.1, residues 96-116): SPGAEISPHD[Leu106=]SLESCRVGGP

ClinVar aggregate classification (germline): Likely benign (1 of 4 stars; one submission).

Conditions:
SH2B1-related disorder. Also called: SH2B1-related condition.

Submission:

PreventionGenetics, part of Exact Sciences
Classification: Likely benign for SH2B1-related condition. Last evaluated: 2026-09-21. Review status: criteria provided, single submitter. Criteria: ACMG Guidelines, 2015. Collection method: clinical testing. Allele origin: germline.
Comment: This variant is classified as likely benign based on ACMG/AMP sequence variant interpretation guidelines (Richards et al. 2015 PMID: 25741868, with internal and published modifications).